The following is an entry in ClinVar:

ClinVar aggregate classification (germline): Conflicting classifications of pathogenicity. Review status: criteria provided, conflicting classifications (1 of 4 stars). 2 submissions from 2 submitters: Uncertain significance (1); Likely benign (1). Last evaluated 2025-04-19.

Conditions:
Hereditary cancer-predisposing syndrome. Also called: Hereditary Cancer Syndrome; Hereditary neoplastic syndrome; Neoplastic Syndromes, Hereditary; Tumor predisposition. Identifiers: Orphanet 140162, MedGen C0027672, MeSH D009386, MONDO:0015356.

Submissions (2):

Ambry Genetics
Classification: Uncertain significance for Hereditary cancer-predisposing syndrome. Last evaluated: 2025-04-19. Review status: criteria provided, single submitter. Criteria: Ambry Variant Classification Scheme 2023. Collection method: clinical testing. Allele origin: germline.
Comment: The p.N500K variant (also known as c.1500T>G), located in coding exon 9 of the BRCA1 gene, results from a T to G substitution at nucleotide position 1500. The asparagine at codon 500 is replaced by lysine, an amino acid with similar properties. This amino acid position is not well conserved in available vertebrate species. In addition, the in silico prediction for this alteration is inconclusive. Since supporting evidence is limited at this time, the clinical significance of this alteration remains unclear.

University of Washington Department of Laboratory Medicine, University of Washington
Classification: Likely benign for Hereditary cancer-predisposing syndrome. Last evaluated: 2023-03-23. Review status: criteria provided, single submitter. Criteria: Dines et al. (Genet Med. 2020). Collection method: curation. Allele origin: germline.
Comment: Missense variant in a coldspot region where missense variants are very unlikely to be pathogenic (PMID:31911673).

BRCA1 coldspot (exon 11 using historical exon numbering). Reclassification based on statistical prior probability

NM_007294.4(BRCA1):c.1500T>G (p.Asn500Lys)

Gene: BRCA1 (BRCA1 DNA repair associated; minus strand). Cytogenetic location: 17q21.31.
Variant type: single nucleotide variant.
Coding change: c.1500T>G on transcript NM_007294.4 (MANE Select); coding-DNA position 1500, T replaced by G.
Protein change: p.Asn500Lys; replaces asparagine 500 with lysine.
Molecular consequence: missense variant. On other transcripts: intron variant (137).
Genome position (GRCh38, 1-based): chr17:43,094,031, A>C on the plus strand (T>G on the coding strand, the complement: BRCA1 is on the minus strand). VCF-style: chr17-43094031-A-C. GRCh37 (hg19) VCF-style: chr17-41246048-A-C.
Other names: c.1497T>G, p.Asn499Lys (NM_001407611.1, NM_001407612.1, NM_001407613.1 and 22 more transcripts); c.1500T>G, p.Asn500Lys (NM_001407616.1, NM_001407617.1, NM_001407618.1 and 30 more transcripts); c.1491T>G, p.Asn497Lys (NM_001407646.1, NM_001407647.1); c.1377T>G, p.Asn459Lys (NM_001407648.1, NM_001407664.1, NM_001407665.1 and 19 more transcripts); c.1374T>G, p.Asn458Lys (NM_001407649.1, NM_001407670.1, NM_001407671.1 and 11 more transcripts); c.1422T>G, p.Asn474Lys (NM_001407653.1, NM_001407654.1, NM_001407655.1 and 4 more transcripts); c.1419T>G, p.Asn473Lys (NM_001407659.1, NM_001407660.1, NM_001407661.1 and 1 more transcripts); c.1359T>G, p.Asn453Lys (NM_001407692.1, NM_001407694.1, NM_001407695.1 and 29 more transcripts); and 40 more; short protein forms N332K, N373K, N430K, N458K, N459K, N473K, N204K, N372K.
Identifiers: ClinVar variation 1774022 (VCV001774022.5), dbSNP rs1597875751, ClinGen allele CA10599046.
Genomic context (GRCh38, chr17:43,094,031, plus strand): 5'-TTTCTTGATAAAATCCTCAGGATGAAGGCCTGATGTAGGTCTCCTTTTACGCTTTAATTT[A>C]TTTGTGAGGGGACGCTCTTGTATTATCTGTGGCTCAGTAACAAATGCTCCTATAATTAGA-3'
Protein context (NP_009225.1, residues 490-510): PQIIQERPLT[Asn500Lys]KLKRKRRPTS